The following is an entry in ClinVar:

NM_001270.4(CHD1):c.698G>A (p.Arg233His)

Gene: CHD1 (chromodomain helicase DNA binding protein 1; minus strand). Cytogenetic location: 5q21.1.
Variant type: single nucleotide variant.
Coding change: c.698G>A on transcript NM_001270.4 (MANE Select); coding-DNA position 698, G replaced by A.
Protein change: p.Arg233His; replaces arginine 233 with histidine.
Molecular consequence: missense variant. On other transcripts: non-coding transcript variant (2).
Genome position (GRCh38, 1-based): chr5:98,900,972, C>T on the plus strand (G>A on the coding strand, the complement: CHD1 is on the minus strand). VCF-style: chr5-98900972-C-T. GRCh37 (hg19) VCF-style: chr5-98236676-C-T.
Other names: c.698G>A, p.Arg233His (NM_001364113.3, NM_001376194.2); short protein forms R233H.
Identifiers: ClinVar variation 1809886 (VCV001809886.2), dbSNP rs747225398, ClinGen allele CA360521760.

ClinVar aggregate classification (germline): Uncertain significance. Review status: criteria provided, multiple submitters, no conflicts (2 of 4 stars). 2 submissions from 2 submitters: Uncertain significance (2). Last evaluated 2023-10-24.

Conditions:
Pilarowski-Bjornsson syndrome. Also called: DEVELOPMENTAL DELAY AND SPEECH APRAXIA WITH OR WITHOUT SEIZURES. Identifiers: Orphanet 529965, MedGen C4540131, MONDO:0060568, OMIM 617682.

gnomAD v4.1: 1 of 1,613,974 alleles (0.000062%); highest among the groups gnomAD compares: Non-Finnish European, 0.000085%; no homozygotes.

Submissions (2):

Pittsburgh Clinical Genomics Laboratory, University of Pittsburgh Medical Center
Classification: Uncertain significance for Pilarowski-Bjornsson syndrome. Last evaluated: 2023-10-24. Review status: criteria provided, single submitter. Criteria: ACMG Guidelines, 2015. Collection method: clinical testing. Allele origin: germline. Inheritance: Autosomal dominant inheritance. Affected: yes.
Comment: This sequence variant is a single nucleotide substitution (G>A) at position 698 of the coding sequence of the CHD1 gene that results in an arginine to histidine amino acid change at residue 233 of the chromodomain helicase D binding protein 1 protein. This is a previously reported variant (ClinVar 1809886) that has not been observed in individuals affected by CHD1-related disorders in the published literature, to our knowledge. This variant is absent from the gnomAD population database (0/~251,000 alleles). Multiple bioinformatic tools predict that this arginine to histidine amino acid change would be damaging, and the Arg233 residue at this position is highly conserved across the vertebrate species examined. Studies examining the functiol consequence of this variant have not been published, to our knowledge. At this time, there is insufficient evidence to determine if this variant is pathogenic or benign. Therefore, we consider this a variant of uncertain significance. ACMG Criteria: PM2, PP3

GeneDx
Classification: Uncertain significance. Last evaluated: 2022-06-28. Review status: criteria provided, single submitter. Criteria: GeneDx Variant Classification Process June 2021. Collection method: clinical testing. Allele origin: germline. Affected: yes.
Comment: Not observed at significant frequency in large population cohorts (gnomAD); In silico analysis supports that this missense variant has a deleterious effect on protein structure/function; Has not been previously published as pathogenic or benign to our knowledge